The following is an entry in ClinVar:

ClinVar aggregate classification (germline): Uncertain significance. Review status: criteria provided, multiple submitters, no conflicts (2 of 4 stars). 2 submissions from 2 submitters: Uncertain significance (2). Last evaluated 2026-04-02.

Submissions (2):

GeneDx
Classification: Uncertain significance. Last evaluated: 2026-04-02. Review status: criteria provided, single submitter. Criteria: GeneDx Variant Classification Process June 2021. Collection method: clinical testing. Allele origin: germline.
Comment: Not observed at significant frequency in large population cohorts (gnomAD); In silico analysis suggests that this missense variant does not alter protein structure/function; Has not been previously published as pathogenic or benign to our knowledge; Reported using an alternate transcript of the gene

CeGaT Center for Human Genetics Tuebingen
Classification: Uncertain significance. Last evaluated: 2018-11-01. Review status: criteria provided, single submitter. Criteria: CeGaT Center For Human Genetics Tuebingen Variant Classification Criteria Version 2. Collection method: clinical testing. Allele origin: germline. Affected: yes. Observed: 1 variant allele.

NM_001377265.1(MAPT):c.1321A>C (p.Lys441Gln)

Gene: MAPT (microtubule associated protein tau). Cytogenetic location: 17q21.31.
Variant type: single nucleotide variant.
Coding change: c.1321A>C on transcript NM_001377265.1 (MANE Select); coding-DNA position 1321, A replaced by C.
Protein change: p.Lys441Gln; replaces lysine 441 with glutamine.
Molecular consequence: missense variant. On other transcripts: intron variant (8).
Genome position (GRCh38, 1-based): chr17:45,983,900, A>C. VCF-style: chr17-45983900-A-C. GRCh37 (hg19) VCF-style: chr17-44061266-A-C.
Other names: c.1096A>C, p.Lys366Gln (NM_001123066.4, NM_016835.5); c.1321A>C, p.Lys441Gln (NM_001377266.1); c.200-3140A>C (NM_001377268.1, NM_016834.5, NM_016841.5); c.374-3140A>C (NM_005910.6, NM_001203252.2); c.287-3140A>C (NM_001123067.4, NM_001203251.2, NM_001377267.1); short protein forms K366Q, K441Q.
Identifiers: ClinVar variation 808284 (VCV000808284.43), dbSNP rs1598276822, ClinGen allele CA399976903.